The following is an entry in ClinVar:

NM_000444.6(PHEX):c.503C>T (p.Pro168Leu)

Gene: PHEX (phosphate regulating endopeptidase X-linked; plus strand). Cytogenetic location: Xp22.11.
Variant type: single nucleotide variant.
Coding change: c.503C>T on transcript NM_000444.6 (MANE Select); coding-DNA position 503, C replaced by T.
Protein change: p.Pro168Leu; replaces proline 168 with leucine.
Molecular consequence: missense variant.
Genome position (GRCh38, 1-based): chrX:22,077,542, C>T. VCF-style: chrX-22077542-C-T. GRCh37 (hg19) VCF-style: chrX-22095660-C-T.
Other names: c.503C>T, p.Pro168Leu (NM_001282754.2); short protein forms P168L.
Identifiers: ClinVar variation 372453 (VCV000372453.13), dbSNP rs1057517790, ClinGen allele CA16043306.

ClinVar aggregate classification (germline): Pathogenic. Review status: criteria provided, multiple submitters, no conflicts (2 of 4 stars). 2 submissions from 2 submitters: Pathogenic (2). Last evaluated 2025-06-04.

Submissions (2):

Labcorp Genetics (formerly Invitae), Labcorp
Classification: Pathogenic. Last evaluated: 2025-06-04. Review status: criteria provided, single submitter. Criteria: Invitae Variant Classification Sherloc (09022015). Collection method: clinical testing. Allele origin: germline.
Comment: This sequence change replaces proline, which is neutral and non-polar, with leucine, which is neutral and non-polar, at codon 168 of the PHEX protein (p.Pro168Leu). This variant is not present in population databases (gnomAD no frequency). This missense change has been observed in individual(s) with hypophosphatemic rickets (internal data). ClinVar contains an entry for this variant (Variation ID: 372453). Invitae Evidence Modeling of protein sequence and biophysical properties (such as structural, functional, and spatial information, amino acid conservation, physicochemical variation, residue mobility, and thermodynamic stability) indicates that this missense variant is expected to disrupt PHEX protein function with a positive predictive value of 80%. For these reasons, this variant has been classified as Pathogenic.

GeneDx
Classification: Pathogenic. Last evaluated: 2020-06-03. Review status: criteria provided, single submitter. Criteria: GeneDx Variant Classification Process June 2021. Collection method: clinical testing. Allele origin: germline. Affected: yes.
Comment: Not observed in large population cohorts (Lek et al., 2016); In silico analysis, which includes protein predictors and evolutionary conservation, supports a deleterious effect; This variant is associated with the following publications: (PMID: 16261449, 29460029)